The following is an entry in ClinVar:

NM_000535.7(PMS2):c.2309T>A (p.Leu770Ter)

Gene: PMS2 (PMS1 homolog 2, mismatch repair system component; minus strand). Cytogenetic location: 7p22.1.
Variant type: single nucleotide variant.
Coding change: c.2309T>A on transcript NM_000535.7 (MANE Select); coding-DNA position 2309, T replaced by A.
Protein change: p.Leu770Ter; replaces leucine 770 with a stop codon.
Molecular consequence: nonsense. On other transcripts: intron variant (2).
Genome position (GRCh38, 1-based): chr7:5,977,724, A>T on the plus strand (T>A on the coding strand, the complement: PMS2 is on the minus strand). VCF-style: chr7-5977724-A-T. GRCh37 (hg19) VCF-style: chr7-6017355-A-T.
Other names: c.1748T>A, p.Leu583Ter (NM_001406907.1, NM_001406906.1, NM_001322010.2); c.1736T>A, p.Leu579Ter (NM_001406908.1, NM_001406909.1, NM_001322013.2); c.1538T>A, p.Leu513Ter (NM_001406911.1); c.1106T>A, p.Leu369Ter (NM_001406912.1); c.1602-10T>A (NM_001406910.1); c.2175-10T>A (NM_001406871.1); c.1835T>A, p.Leu612Ter (NM_001406902.1, NM_001406901.1); c.1823T>A, p.Leu608Ter (NM_001406903.1); and 20 more; short protein forms L612*, L635*, L648*, L664*, L714*, L778*, L513*, L579*.
Identifiers: ClinVar variation 4842986 (VCV004842986.1).
Genomic context (GRCh38, chr7:5,977,724, plus strand): 5'-AGCATGAAGATCAGTTCATCGACGTCCTGGGGTCCGAAGGTCCAGTTTTTACTAGTTGGC[A>T]AGGAAATCAGTTTAGCCCTTTCAGTGACTGGAGCTAAAAGAATACAATTTTGAGAAAAAT-3'

ClinVar aggregate classification (germline): Pathogenic (1 of 4 stars; one submission).

Conditions:
Hereditary cancer-predisposing syndrome. Also called: Neoplastic Syndromes, Hereditary; Tumor predisposition; Hereditary Cancer Syndrome; Hereditary neoplastic syndrome. Identifiers: Orphanet 140162, MedGen C0027672, MeSH D009386, MONDO:0015356.

Submission:

Ambry Genetics
Classification: Pathogenic for Hereditary cancer-predisposing syndrome. Last evaluated: 2026-01-15. Review status: criteria provided, single submitter. Criteria: Ambry Variant Classification Scheme 2023. Collection method: clinical testing. Allele origin: germline.
Comment: The p.L770* pathogenic mutation (also known as c.2309T>A), located in coding exon 14 of the PMS2 gene, results from a T to A substitution at nucleotide position 2309. This changes the amino acid from a leucine to a stop codon within coding exon 14. This variant is considered to be rare based on population cohorts in the Genome Aggregation Database (gnomAD). This alteration is expected to result in loss of function by premature protein truncation or nonsense-mediated mRNA decay. As such, this alteration is interpreted as a disease-causing mutation.